The following is an entry in ClinVar:

ClinVar aggregate classification (germline): Benign. Review status: criteria provided, multiple submitters, no conflicts (2 of 4 stars). 4 submissions from 4 submitters: Benign (4). Last evaluated 2025-03-04.

Submissions (4):

Center for Genomic Medicine, Rigshospitalet, Copenhagen University Hospital
Classification: Benign. Last evaluated: 2025-03-04. Review status: criteria provided, single submitter. Criteria: ACMG Guidelines, 2015. Collection method: clinical testing. Allele origin: germline.

GeneDx
Classification: Benign. Last evaluated: 2019-11-19. Review status: criteria provided, single submitter. Criteria: GeneDx Variant Classification Process June 2021. Collection method: clinical testing. Allele origin: germline. Affected: yes.

Women's Health and Genetics/Laboratory Corporation of America, LabCorp
Classification: Benign. Last evaluated: 2017-10-12. Review status: criteria provided, single submitter. Criteria: LabCorp Variant Classification Summary - May 2015. Collection method: clinical testing. Allele origin: germline.
Comment: Variant summary: The POLD1 c.3219-15_3219-10dupTGCCCC variant involves duplication of 6 intronic nucleotides and 5/5 splice prediction tools predict no significant impact on normal splicing. However, these predictions have yet to be confirmed by functional studies. This variant was found in 6646/202876 control chromosomes (gnomAD), predominantly observed in the African subpopulation at a frequency of 0.295865 (5009/16930, 766 homozygotes). This frequency is about 20829 times the estimated maximal expected allele frequency of a pathogenic POLD1 variant (0.0000142), suggesting this is likely a benign polymorphism found primarily in the populations of African origin. The variant of interest has not, to our knowledge, been reported in affected individuals via publications and/or reputable databases/clinical diagnostic laboratories. Taken together, this variant is classified as benign.

PreventionGenetics, part of Exact Sciences
Classification: Benign. Last evaluated: 2016-11-02. Review status: criteria provided, single submitter. Criteria: ACMG Guidelines, 2015. Collection method: clinical testing. Allele origin: germline.

NM_002691.4(POLD1):c.3219-24CCCTGC[3]

Gene: POLD1 (DNA polymerase delta 1, catalytic subunit; plus strand). Cytogenetic location: 19q13.33.
Variant type: Microsatellite.
Coding change: c.3219-24CCCTGC[3] on transcript NM_002691.4 (MANE Select); three copies in a row of the 6-base unit CCCTGC starting at c.3219-24.
Molecular consequence: intron variant.
Genome position: GRCh38 VCF-style: chr19-50417817-A-ACCCTGC. GRCh37 (hg19) VCF-style: chr19-50921074-A-ACCCTGC.
Other names: c.3219-15_3219-10dupTGCCCC (NM_002691.2, NM_002691.4); c.3219-24CCCTGC[3] (NM_001256849.1); c.3297-24CCCTGC[3] (NM_001308632.1).
Identifiers: ClinVar variation 560822 (VCV000560822.11), dbSNP rs3219456, ClinGen allele CA9596815.